The following is an entry in ClinVar:

NC_000012.11:g.(?_110221426)_(110224662_?)dup

Gene: TRPV4 (transient receptor potential cation channel subfamily V member 4; minus strand). Cytogenetic location: 12q24.11.
Variant type: Duplication.
Identifiers: ClinVar variation 1450667 (VCV001450667.4).

ClinVar aggregate classification (germline): Uncertain significance (1 of 4 stars; one submission).

Conditions:
Charcot-Marie-Tooth disease axonal type 2C (HMSN2C). Also called: Charcot-Marie-Tooth Disease Type 2, TRPV4-Related (CMT2C); CHARCOT-MARIE-TOOTH DISEASE, AXONAL, AUTOSOMAL DOMINANT, TYPE 2C; Charcot-Marie-Tooth Neuropathy Type 2C. Identifiers: Orphanet 99937, MedGen C1853710, MONDO:0011633, OMIM 606071.

Submission:

Labcorp Genetics (formerly Invitae), Labcorp
Classification: Uncertain significance for Charcot-Marie-Tooth disease axonal type 2C. Last evaluated: 2021-08-02. Review status: criteria provided, single submitter. Criteria: Invitae Variant Classification Sherloc (09022015). Collection method: clinical testing. Allele origin: germline.
Comment: In summary, the available evidence is currently insufficient to determine the role of this variant in disease. Therefore, it has been classified as a Variant of Uncertain Significance. Experimental studies and prediction algorithms are not available or were not evaluated, and the functional significance of this variant is currently unknown. This variant has not been reported in the literature in individuals affected with TRPV4-related conditions. This variant results in a copy number gain of the genomic region encompassing exon(s) 14-16 of the TRPV4 gene. The 5' boundary is likely confined to intron 13. The 3' end of this event is unknown as it extends beyond the assayed region for this gene and therefore may encompass additional genes. As the precise location of this event is unknown, it may be in tandem or it may be located elsewhere in the genome.